The following is an entry in ClinVar:

NM_013391.3(DMGDH):c.2309G>A (p.Arg770Gln)

Gene: DMGDH (dimethylglycine dehydrogenase; minus strand). Cytogenetic location: 5q14.1.
Variant type: single nucleotide variant.
Coding change: c.2309G>A on transcript NM_013391.3 (MANE Select); coding-DNA position 2309, G replaced by A.
Protein change: p.Arg770Gln; replaces arginine 770 with glutamine.
Molecular consequence: missense variant.
Genome position (GRCh38, 1-based): chr5:79,005,349, C>T on the plus strand (G>A on the coding strand, the complement: DMGDH is on the minus strand). VCF-style: chr5-79005349-C-T. GRCh37 (hg19) VCF-style: chr5-78301172-C-T.
Other names: short protein forms R770Q.
Identifiers: ClinVar variation 506364 (VCV000506364.31), dbSNP rs41272262, ClinGen allele CA3318459.

ClinVar aggregate classification (germline): Likely benign. Review status: criteria provided, multiple submitters, no conflicts (2 of 4 stars). 5 submissions from 5 submitters: Likely benign (5). Last evaluated 2024-11-15.

Allele frequency attached by ClinVar (database versions not stated): 1000 Genomes Project 0.00100; 1000 Genomes Project 30x 0.00141; gnomAD 0.00167 and 0.00168; gnomAD exomes 0.00183; TOPMed 0.00191; ESP Exome Variant Server 0.00200; ExAC 0.00202.
gnomAD v4.1: 3,498 of 1,613,942 alleles (0.22%); highest among the groups gnomAD compares: Middle Eastern, 0.33%; 8 homozygotes.

Submissions (5):

Blueprint Genetics
Classification: Likely benign. Last evaluated: 2024-11-15. Review status: criteria provided, single submitter. Criteria: ACMG Guidelines, 2015. Collection method: clinical testing. Allele origin: germline.

CeGaT Center for Human Genetics Tuebingen
Classification: Likely benign. Last evaluated: 2023-02-01. Review status: criteria provided, single submitter. Criteria: CeGaT Center For Human Genetics Tuebingen Variant Classification Criteria Version 2. Collection method: clinical testing. Allele origin: germline. Affected: yes. Observed: 1 variant allele.
Comment: DMGDH: BS2

Labcorp Genetics (formerly Invitae), Labcorp
Classification: Likely benign. Last evaluated: 2018-11-09. Review status: criteria provided, single submitter. Criteria: Invitae Variant Classification Sherloc (09022015). Collection method: clinical testing. Allele origin: germline.

GeneDx
Classification: Likely benign. Last evaluated: 2018-05-17. Review status: criteria provided, single submitter. Criteria: GeneDx Variant Classification Process June 2021. Collection method: clinical testing. Allele origin: germline. Affected: yes.

Breakthrough Genomics
Classification: Likely benign. Review status: criteria provided, single submitter. Criteria: ACMG Guidelines, 2015. Collection method: not provided. Allele origin: germline. Inheritance: Autosomal recessive inheritance. Affected: yes.